The following is an entry in ClinVar:

NM_006302.3(MOGS):c.2238dup (p.Pro747fs)

Gene: MOGS (mannosyl-oligosaccharide glucosidase; minus strand). Cytogenetic location: 2p13.1.
Variant type: Duplication.
Coding change: c.2238dup on transcript NM_006302.3 (MANE Select); coding-DNA position 2238, one base duplicated (T; older notation c.2238dupT).
Protein change: p.Pro747fs; shifts the reading frame from proline 747.
Molecular consequence: frameshift variant.
Genome position (GRCh38, 1-based): chr2:74,461,551, A duplicated on the plus strand (T on the coding strand, the reverse complement: MOGS is on the minus strand). VCF-style (leftmost placement, unchanged base first): chr2-74461550-G-GA. GRCh37 (hg19) VCF-style: chr2-74688677-G-GA.
Other names: c.1920dup, p.Pro641fs (NM_001146158.2); short protein forms P641fs, P747fs.
Identifiers: ClinVar variation 3625996 (VCV003625996.2).
Genomic context (GRCh38, chr2:74,461,550, plus strand): 5'-GGAGTGCTCCCAAAGCCAGGTAGTTGACATTGAGCCACACAGCACCCCGCCAGTAGGGGG[G>GA]ATCATGCTCTGAATTGCGCTGGCCATAAAAGGAGCTGGAGGCTGCAAGGGAGCGTAAACC-3'

ClinVar aggregate classification (germline): Uncertain significance (1 of 4 stars; one submission).

Conditions:
MOGS-congenital disorder of glycosylation. Also called: MOGS-CDG; CDG 2B; CDG IIb; GLUCOSIDASE I DEFICIENCY. Identifiers: Orphanet 79330, MedGen C1853736, MONDO:0011629, OMIM 606056.

Submission:

Labcorp Genetics (formerly Invitae), Labcorp
Classification: Uncertain significance for MOGS-congenital disorder of glycosylation. Last evaluated: 2025-02-23. Review status: criteria provided, single submitter. Criteria: Invitae Variant Classification Sherloc (09022015). Collection method: clinical testing. Allele origin: germline.
Comment: This sequence change creates a premature translational stop signal (p.Pro747Serfs*40) in the MOGS gene. While this is not anticipated to result in nonsense mediated decay, it is expected to disrupt the last 91 amino acid(s) of the MOGS protein. This variant is not present in population databases (gnomAD no frequency). This variant has not been reported in the literature in individuals affected with MOGS-related conditions. Experimental studies and prediction algorithms are not available or were not evaluated, and the functional significance of this variant is currently unknown. This variant disrupts a region of the MOGS protein in which other variant(s) (p.Gly824Asp) have been observed in individuals with MOGS-related conditions (PMID: 33058492). This suggests that this is a clinically significant region of the protein, and that variants that disrupt it are likely to be disease-causing. In summary, the available evidence is currently insufficient to determine the role of this variant in disease. Therefore, it has been classified as a Variant of Uncertain Significance.

Literature cited by the submitters: PubMed 33058492.